The following is an entry in ClinVar:

ClinVar aggregate classification (germline): Uncertain significance (1 of 4 stars; one submission).

Submission:

CeGaT Center for Human Genetics Tuebingen
Classification: Uncertain significance. Last evaluated: 2026-09-01. Review status: criteria provided, single submitter. Criteria: CeGaT Center For Human Genetics Tuebingen Variant Classification Criteria Version 2. Collection method: clinical testing. Allele origin: germline. Affected: yes. Observed: 1 variant allele.
Comment: LMNB1: PM4:Supporting

NM_005573.4(LMNB1):c.1743_1745dup (p.Arg581_Ser582insArg)

Gene: LMNB1 (lamin B1; plus strand). Cytogenetic location: 5q23.2.
Variant type: Duplication.
Coding change: c.1743_1745dup on transcript NM_005573.4 (MANE Select); coding-DNA positions 1743 to 1745, 3 bases duplicated (AAG; older notation c.1743_1745dupAAG).
Protein change: p.Arg581_Ser582insArg.
Molecular consequence: non-coding transcript variant (on NR_134488.1).
Genome position (GRCh38, 1-based): chr5:126,836,246-126,836,248, AAG duplicated; duplicating any 3 consecutive bases within chr5:126,836,244-126,836,248 gives the same sequence; the c. name uses the placement nearest the transcript's 3' end. VCF-style (leftmost placement, unchanged base first): chr5-126836243-T-TAGA. GRCh37 (hg19) VCF-style: chr5-126171935-T-TAGA.
Other names: c.1113_1115dup, p.Arg371_Ser372insArg (NM_001198557.2).
Identifiers: ClinVar variation 5041785 (VCV005041785.1).